The following is an entry in ClinVar:

ClinVar aggregate classification (germline): Conflicting classifications of pathogenicity. Review status: criteria provided, conflicting classifications (1 of 4 stars). 9 submissions from 9 submitters: Uncertain significance (1); Benign (1); Likely benign (4). 3 of the submissions do not count toward it. Last evaluated 2026-01-28.

Conditions:
Lysinuric protein intolerance (LPI). Identifiers: Orphanet 470, MedGen C0268647, MONDO:0009109, OMIM 222700.

Allele frequency attached by ClinVar (database versions not stated): gnomAD 0.00055 and 0.00062; TOPMed 0.00061; ESP Exome Variant Server 0.00077; 1000 Genomes Project 30x 0.00078; gnomAD exomes 0.00079 and 0.00113; 1000 Genomes Project 0.00080; ExAC 0.00103.
gnomAD v4.1: 1,255 of 1,614,160 alleles (0.078%); highest among the groups gnomAD compares: South Asian, 0.27%; 5 homozygotes.

Submissions (9):

Labcorp Genetics (formerly Invitae), Labcorp
Classification: Benign for Lysinuric protein intolerance. Last evaluated: 2026-01-28. Review status: criteria provided, single submitter. Criteria: Invitae Variant Classification Sherloc (09022015). Collection method: clinical testing. Allele origin: germline.

Blueprint Genetics
Classification: Likely benign. Last evaluated: 2024-11-27. Review status: criteria provided, single submitter. Criteria: ACMG Guidelines, 2015. Collection method: clinical testing. Allele origin: germline.

CeGaT Center for Human Genetics Tuebingen
Classification: Likely benign. Last evaluated: 2024-11-01. Review status: criteria provided, single submitter. Criteria: CeGaT Center For Human Genetics Tuebingen Variant Classification Criteria Version 2. Collection method: clinical testing. Allele origin: germline. Affected: yes. Observed: 4 variant alleles.
Comment: SLC7A7: BP4, BP7

Genome-Nilou Lab
Classification: Likely benign for Lysinuric protein intolerance. Last evaluated: 2021-11-07. Review status: criteria provided, single submitter. Criteria: ACMG Guidelines, 2015. Collection method: clinical testing. Allele origin: germline. Affected: no.

Illumina Laboratory Services, Illumina
Classification: Uncertain significance for Lysinuric protein intolerance. Last evaluated: 2018-01-12. Review status: criteria provided, single submitter. Criteria: ICSL Variant Classification Criteria 13 December 2019. Collection method: clinical testing. Allele origin: germline.

GeneDx
Classification: Likely benign. Last evaluated: 2017-11-09. Review status: criteria provided, single submitter. Criteria: GeneDx Variant Classification (06012015). Collection method: clinical testing. Allele origin: germline. Affected: yes.
Comment: This variant is considered likely benign or benign based on one or more of the following criteria: it is a conservative change, it occurs at a poorly conserved position in the protein, it is predicted to be benign by multiple in silico algorithms, and/or has population frequency not consistent with disease.

Natera, Inc.
Classification: Likely benign for Lysinuric protein intolerance. Last evaluated: 2019-11-15. Review status: no assertion criteria provided. Collection method: clinical testing. Allele origin: germline. Not counted in ClinVar's aggregate classification.

Clinical Genetics DNA and cytogenetics Diagnostics Lab, Erasmus MC, Erasmus Medical Center
Classification: Likely benign. Review status: no assertion criteria provided. Collection method: clinical testing. Allele origin: germline. Affected: yes. Study: VKGL Data-share Consensus. Not counted in ClinVar's aggregate classification.

Clinical Genetics, Academic Medical Center
Classification: Benign. Review status: no assertion criteria provided. Collection method: clinical testing. Allele origin: germline. Affected: yes. Study: VKGL Data-share Consensus. Not counted in ClinVar's aggregate classification.

NM_003982.4(SLC7A7):c.234C>T (p.Val78=)

Gene: SLC7A7 (solute carrier family 7 member 7; minus strand). Cytogenetic location: 14q11.2.
Variant type: single nucleotide variant.
Coding change: c.234C>T on transcript NM_003982.4 (MANE Select); coding-DNA position 234, C replaced by T.
Protein change: p.Val78=; no amino-acid change (valine 78 retained).
Molecular consequence: synonymous variant.
Genome position (GRCh38, 1-based): chr14:22,813,165, G>A on the plus strand (C>T on the coding strand, the complement: SLC7A7 is on the minus strand). VCF-style: chr14-22813165-G-A. GRCh37 (hg19) VCF-style: chr14-23282374-G-A.
Other names: c.234C>T, p.Val78= (NM_001126105.3, NM_001126106.4).
Identifiers: ClinVar variation 312827 (VCV000312827.50), dbSNP rs139776370, ClinGen allele CA7104745.